The following is an entry in ClinVar:

ClinVar aggregate classification (germline): Uncertain significance. Review status: criteria provided, multiple submitters, no conflicts (2 of 4 stars). 2 submissions from 2 submitters: Uncertain significance (2). Last evaluated 2025-12-11.

Conditions:
Cardiovascular phenotype. Identifiers: MedGen CN230736.
Aortic valve disease 2 (AOVD2). Identifiers: MedGen C3542024, MONDO:0013902, OMIM 614823.

Allele frequency attached by ClinVar (database versions not stated): gnomAD 0.00001; gnomAD exomes 0.00001; ExAC 0.00002; TOPMed 0.00003.
gnomAD v4.1: 23 of 1,613,746 alleles (0.0014%); highest among the groups gnomAD compares: African/African-American, 0.0027%; no homozygotes.

Submissions (2):

Labcorp Genetics (formerly Invitae), Labcorp
Classification: Uncertain significance for Aortic valve disease 2. Last evaluated: 2025-12-11. Review status: criteria provided, single submitter. Criteria: Invitae Variant Classification Sherloc (09022015). Collection method: clinical testing. Allele origin: germline.
Comment: This sequence change replaces methionine, which is neutral and non-polar, with isoleucine, which is neutral and non-polar, at codon 343 of the TBX5 protein (p.Met343Ile). This variant is present in population databases (rs774825317, gnomAD 0.004%). This variant has not been reported in the literature in individuals affected with TBX5-related conditions. ClinVar contains an entry for this variant (Variation ID: 1770463). Invitae Evidence Modeling of protein sequence and biophysical properties (such as structural, functional, and spatial information, amino acid conservation, physicochemical variation, residue mobility, and thermodynamic stability) indicates that this missense variant is not expected to disrupt TBX5 protein function with a negative predictive value of 80%. In summary, the available evidence is currently insufficient to determine the role of this variant in disease. Therefore, it has been classified as a Variant of Uncertain Significance.

Ambry Genetics
Classification: Uncertain significance for Cardiovascular phenotype. Last evaluated: 2023-05-30. Review status: criteria provided, single submitter. Criteria: Ambry Variant Classification Scheme 2023. Collection method: clinical testing. Allele origin: germline.
Comment: The p.M343I variant (also known as c.1029G>A), located in coding exon 8 of the TBX5 gene, results from a G to A substitution at nucleotide position 1029. The methionine at codon 343 is replaced by isoleucine, an amino acid with highly similar properties. This amino acid position is well conserved in available vertebrate species. In addition, this alteration is predicted to be tolerated by in silico analysis. Since supporting evidence is limited at this time, the clinical significance of this alteration remains unclear.

NM_181486.4(TBX5):c.1029G>A (p.Met343Ile)

Gene: TBX5 (T-box transcription factor 5; minus strand). Cytogenetic location: 12q24.21.
Variant type: single nucleotide variant.
Coding change: c.1029G>A on transcript NM_181486.4 (MANE Select); coding-DNA position 1029, G replaced by A.
Protein change: p.Met343Ile; replaces methionine 343 with isoleucine.
Molecular consequence: missense variant.
Genome position (GRCh38, 1-based): chr12:114,356,060, C>T on the plus strand (G>A on the coding strand, the complement: TBX5 is on the minus strand). VCF-style: chr12-114356060-C-T. GRCh37 (hg19) VCF-style: chr12-114793865-C-T.
Other names: c.1029G>A, p.Met343Ile (NM_000192.3); c.879G>A, p.Met293Ile (NM_080717.4); short protein forms M343I, M293I.
Identifiers: ClinVar variation 1770463 (VCV001770463.4), dbSNP rs774825317, ClinGen allele CA6809418.